The following is an entry in ClinVar:

NM_001042492.3(NF1):c.7190-33TTGT[2]

Gene: NF1 (neurofibromin 1; plus strand). Cytogenetic location: 17q11.2.
Variant type: Microsatellite.
Coding change: c.7190-33TTGT[2] on transcript NM_001042492.3 (MANE Select); two copies in a row of the 4-base unit TTGT starting at c.7190-33.
Molecular consequence: intron variant.
Genome position: GRCh38 VCF-style: chr17-31349086-CTTGTTTGTTTGTTTGT-C. GRCh37 (hg19) VCF-style: chr17-29676104-CTTGTTTGTTTGTTTGT-C.
Other names: c.7127-33TTGT[2] (NM_000267.4).
Identifiers: ClinVar variation 4875871 (VCV004875871.1).

ClinVar aggregate classification (germline): Likely benign (1 of 4 stars; one submission).

Conditions:
Neurofibromatosis, type 1 (NF1). Also called: VON RECKLINGHAUSEN DISEASE; NEUROFIBROMATOSIS, TYPE I, SOMATIC; Peripheral type neurofibromatosis; Neurofibromatosis, type I. Identifiers: Orphanet 636, MedGen C0027831, MONDO:0018975, OMIM 162200. Disease mechanism: loss of function.

Submission:

Myriad Genetics, Inc.
Classification: Likely benign for Neurofibromatosis, type 1. Last evaluated: 2026-05-13. Review status: criteria provided, single submitter. Criteria: Myriad Autosomal Dominant, Autosomal Recessive and X-Linked Classification Criteria (2023). Collection method: clinical testing. Allele origin: unknown.
Comment: This variant is considered likely benign. This variant is intronic and is not expected to impact mRNA splicing.